The following is an entry in ClinVar:

NM_000418.4(IL4R):c.108C>T (p.Ser36=)

Gene: IL4R (interleukin 4 receptor; plus strand). Cytogenetic location: 16p12.1.
Variant type: single nucleotide variant.
Coding change: c.108C>T on transcript NM_000418.4 (MANE Select); coding-DNA position 108, C replaced by T.
Protein change: p.Ser36=; no amino-acid change (serine 36 retained).
Molecular consequence: synonymous variant. On other transcripts: 5 prime UTR variant (1).
Genome position (GRCh38, 1-based): chr16:27,342,158, C>T. VCF-style: chr16-27342158-C-T. GRCh37 (hg19) VCF-style: chr16-27353479-C-T.
Other names: c.108C>T, p.Ser36= (NM_001257406.2); c.63C>T, p.Ser21= (NM_001257407.2); c.-368C>T (NM_001257997.2).
Identifiers: ClinVar variation 771761 (VCV000771761.6), dbSNP rs17548704, ClinGen allele CA7974140.

ClinVar aggregate classification (germline): Benign. Review status: criteria provided, multiple submitters, no conflicts (2 of 4 stars). 3 submissions from 3 submitters: Benign (2). 1 of the submissions does not count toward it. Last evaluated 2018-08-16.

Conditions:
IL4R-related disorder. Also called: IL4R-related condition.

Allele frequency attached by ClinVar (database versions not stated): 1000 Genomes Project 30x 0.00375; 1000 Genomes Project 0.00379; ExAC 0.00954; gnomAD exomes 0.00993 and 0.01300; gnomAD 0.01001 and 0.01007; TOPMed 0.01053; ESP Exome Variant Server 0.01293.
gnomAD v4.1: 20,593 of 1,614,190 alleles (1.3%); highest among the groups gnomAD compares: Non-Finnish European, 1.5%; 167 homozygotes.

Submissions (3):

Labcorp Genetics (formerly Invitae), Labcorp
Classification: Benign. Last evaluated: 2018-08-16. Review status: criteria provided, single submitter. Criteria: Invitae Variant Classification Sherloc (09022015). Collection method: clinical testing. Allele origin: germline.

Breakthrough Genomics
Classification: Benign. Review status: criteria provided, single submitter. Criteria: ACMG Guidelines, 2015. Collection method: not provided. Allele origin: germline. Inheritance: Autosomal dominant inheritance. Affected: yes.

PreventionGenetics, part of Exact Sciences
Classification: Benign for IL4R-related condition. Last evaluated: 2019-12-19. Review status: no assertion criteria provided. Collection method: clinical testing. Allele origin: germline. Not counted in ClinVar's aggregate classification.
Comment: This variant is classified as benign based on ACMG/AMP sequence variant interpretation guidelines (Richards et al. 2015 PMID: 25741868, with internal and published modifications).